The following is an entry in ClinVar:

NM_006393.3(NEBL):c.448C>T (p.His150Tyr)

Gene: NEBL (nebulette; minus strand). Cytogenetic location: 10p12.31.
Variant type: single nucleotide variant.
Coding change: c.448C>T on transcript NM_006393.3 (MANE Select); coding-DNA position 448, C replaced by T.
Protein change: p.His150Tyr; replaces histidine 150 with tyrosine.
Molecular consequence: missense variant. On other transcripts: intron variant (9).
Genome position (GRCh38, 1-based): chr10:20,880,826, G>A on the plus strand (C>T on the coding strand, the complement: NEBL is on the minus strand). VCF-style: chr10-20880826-G-A. GRCh37 (hg19) VCF-style: chr10-21169755-G-A.
Other names: c.250-67886C>T (NM_001377326.1, NM_001377327.1, NM_001377328.1); c.358-67886C>T (NM_213569.2, NM_001173484.2, NM_001377322.1); c.301-67886C>T (NM_001377324.1); c.292-67886C>T (NM_001377325.1); c.310-67886C>T (NM_001377323.1); short protein forms H150Y.
Identifiers: ClinVar variation 2016780 (VCV002016780.4), dbSNP rs756869612, ClinGen allele CA5433248.
Genomic context (GRCh38, chr10:20,880,826, plus strand): 5'-GAAAATCATGAGAAATGCGCTTCCTTACATTACTCTGGTGTTTATTGACCTCCATGGCAT[G>A]TTTAACCTCAGGGGGCTCCTTCATGTGGGCATAATCTGAGAATCCTTTGGCAGCATCATG-3'
Protein context (NP_006384.1, residues 140-160): AHMKEPPEVK[His150Tyr]AMEVNKHQSN

ClinVar aggregate classification (germline): Uncertain significance (1 of 4 stars; one submission).

Conditions:
Primary dilated cardiomyopathy (DCM). Also called: Dilated Cardiomyopathy. Identifiers: Orphanet 217604, MedGen C0007193, MeSH D002311, MONDO:0005021, HP:0001644. Inheritance: Various modes of inheritance.

Allele frequency attached by ClinVar (database versions not stated): gnomAD exomes below 0.00001; ExAC 0.00001.

Submission:

Labcorp Genetics (formerly Invitae), Labcorp
Classification: Uncertain significance for Primary dilated cardiomyopathy. Last evaluated: 2022-07-13. Review status: criteria provided, single submitter. Criteria: Invitae Variant Classification Sherloc (09022015). Collection method: clinical testing. Allele origin: germline.
Comment: This sequence change replaces histidine, which is basic and polar, with tyrosine, which is neutral and polar, at codon 150 of the NEBL protein (p.His150Tyr). This variant is present in population databases (rs756869612, gnomAD 0.003%). This variant has not been reported in the literature in individuals affected with NEBL-related conditions. Algorithms developed to predict the effect of missense changes on protein structure and function (SIFT, PolyPhen-2, Align-GVGD) all suggest that this variant is likely to be disruptive. In summary, the available evidence is currently insufficient to determine the role of this variant in disease. Therefore, it has been classified as a Variant of Uncertain Significance.